The following is an entry in ClinVar:

NM_032638.5(GATA2):c.1085G>T (p.Arg362Leu)

Gene: GATA2 (GATA binding protein 2; minus strand). Cytogenetic location: 3q21.3.
Variant type: single nucleotide variant.
Coding change: c.1085G>T on transcript NM_032638.5 (MANE Select); coding-DNA position 1085, G replaced by T.
Protein change: p.Arg362Leu; replaces arginine 362 with leucine.
Molecular consequence: missense variant.
Genome position (GRCh38, 1-based): chr3:128,481,877, C>A on the plus strand (G>T on the coding strand, the complement: GATA2 is on the minus strand). VCF-style: chr3-128481877-C-A. GRCh37 (hg19) VCF-style: chr3-128200720-C-A.
Other names: c.1085G>T, p.Arg362Leu (NM_001145661.2); c.1043G>T, p.Arg348Leu (NM_001145662.1); short protein forms R362L, R348L.
Identifiers: ClinVar variation 5022188 (VCV005022188.1).
Genomic context (GRCh38, chr3:128,481,877, plus strand): 5'-ACATTGTGCAGCTTGTAGTAGAGGCCACAGGCGTTGCAGACAGGGTCCCCGTTGGCGTTT[C>A]GGCGCCATAAGGTGGTGGTTGTCGTCTGACAATTTGCACAACAGGTGCCGGCTCTTCTGG-3'
Protein context (NP_116027.2, residues 352-372): CQTTTTTLWR[Arg362Leu]NANGDPVCNA

ClinVar aggregate classification (germline): Uncertain significance (1 of 4 stars; one submission).

Conditions:
Inborn genetic diseases. Identifiers: MedGen C0950123, MeSH D030342.

Submission:

Ambry Genetics
Classification: Uncertain significance for Inborn genetic diseases. Last evaluated: 2026-07-07. Review status: criteria provided, single submitter. Criteria: Ambry Variant Classification Scheme 2023. Collection method: clinical testing. Allele origin: germline.
Comment: The p.R362L variant (also known as c.1085G>T), located in coding exon 4 of the GATA2 gene, results from a G to T substitution at nucleotide position 1085. The arginine at codon 362 is replaced by leucine, an amino acid with dissimilar properties. This amino acid position is highly conserved in available vertebrate species. In addition, this alteration is predicted to be deleterious by in silico analysis. Based on the available evidence, the clinical significance of this variant remains unclear.